The following is an entry in ClinVar:

ClinVar aggregate classification (germline): Uncertain significance (1 of 4 stars; one submission).

Allele frequency attached by ClinVar (database versions not stated): gnomAD exomes below 0.00001; ExAC 0.00001; TOPMed 0.00002.
gnomAD v4.1: 1 of 1,613,000 alleles (0.000062%); highest among the groups gnomAD compares: Admixed American, 0.0017%; no homozygotes.

Submission:

Labcorp Genetics (formerly Invitae), Labcorp
Classification: Uncertain significance. Last evaluated: 2025-03-17. Review status: criteria provided, single submitter. Criteria: Invitae Variant Classification Sherloc (09022015). Collection method: clinical testing. Allele origin: germline.
Comment: This sequence change replaces threonine, which is neutral and polar, with alanine, which is neutral and non-polar, at codon 81 of the FZD4 protein (p.Thr81Ala). This variant is present in population databases (rs759980701, gnomAD 0.003%). This variant has not been reported in the literature in individuals affected with FZD4-related conditions. ClinVar contains an entry for this variant (Variation ID: 838962). Invitae Evidence Modeling of protein sequence and biophysical properties (such as structural, functional, and spatial information, amino acid conservation, physicochemical variation, residue mobility, and thermodynamic stability) indicates that this missense variant is not expected to disrupt FZD4 protein function with a negative predictive value of 80%. In summary, the available evidence is currently insufficient to determine the role of this variant in disease. Therefore, it has been classified as a Variant of Uncertain Significance.

NM_012193.4(FZD4):c.241A>G (p.Thr81Ala)

Gene: FZD4 (frizzled class receptor 4; minus strand). Cytogenetic location: 11q14.2.
Variant type: single nucleotide variant.
Coding change: c.241A>G on transcript NM_012193.4 (MANE Select); coding-DNA position 241, A replaced by G.
Protein change: p.Thr81Ala; replaces threonine 81 with alanine.
Molecular consequence: missense variant.
Genome position (GRCh38, 1-based): chr11:86,954,845, T>C on the plus strand (A>G on the coding strand, the complement: FZD4 is on the minus strand). VCF-style: chr11-86954845-T-C. GRCh37 (hg19) VCF-style: chr11-86665887-T-C.
Other names: short protein forms T81A.
Identifiers: ClinVar variation 838962 (VCV000838962.11), dbSNP rs759980701, ClinGen allele CA6218504.